The following is an entry in ClinVar:

NM_000183.3(HADHB):c.248C>T (p.Ala83Val)

Gene: HADHB (hydroxyacyl-CoA dehydrogenase trifunctional multienzyme complex subunit beta; plus strand). Cytogenetic location: 2p23.3.
Variant type: single nucleotide variant.
Coding change: c.248C>T on transcript NM_000183.3 (MANE Select); coding-DNA position 248, C replaced by T.
Protein change: p.Ala83Val; replaces alanine 83 with valine.
Molecular consequence: missense variant. On other transcripts: intron variant (1).
Genome position (GRCh38, 1-based): chr2:26,269,991, C>T. VCF-style: chr2-26269991-C-T. GRCh37 (hg19) VCF-style: chr2-26492859-C-T.
Other names: c.182C>T, p.Ala61Val (NM_001281513.2); c.210-3660C>T (NM_001281512.2); short protein forms A61V, A83V.
Identifiers: ClinVar variation 3705580 (VCV003705580.2).

ClinVar aggregate classification (germline): Uncertain significance. Review status: criteria provided, multiple submitters, no conflicts (2 of 4 stars). 2 submissions from 2 submitters: Uncertain significance (2). Last evaluated 2024-10-17.

Conditions:
Mitochondrial trifunctional protein deficiency. Identifiers: Orphanet 746, MedGen C1969443, MONDO:0012172.

gnomAD v4.1: 87 of 1,598,286 alleles (0.0054%); highest among the groups gnomAD compares: Middle Eastern, 0.017%; no homozygotes.

Submissions (2):

Blueprint Genetics
Classification: Uncertain significance. Last evaluated: 2024-10-17. Review status: criteria provided, single submitter. Criteria: ACMG Guidelines, 2015. Collection method: clinical testing. Allele origin: germline.

Labcorp Genetics (formerly Invitae), Labcorp
Classification: Uncertain significance for Mitochondrial trifunctional protein deficiency. Last evaluated: 2024-09-06. Review status: criteria provided, single submitter. Criteria: Invitae Variant Classification Sherloc (09022015). Collection method: clinical testing. Allele origin: germline.
Comment: This sequence change replaces alanine, which is neutral and non-polar, with valine, which is neutral and non-polar, at codon 83 of the HADHB protein (p.Ala83Val). This variant is present in population databases (rs753831601, gnomAD 0.006%). This variant has not been reported in the literature in individuals affected with HADHB-related conditions. Invitae Evidence Modeling of protein sequence and biophysical properties (such as structural, functional, and spatial information, amino acid conservation, physicochemical variation, residue mobility, and thermodynamic stability) indicates that this missense variant is not expected to disrupt HADHB protein function with a negative predictive value of 80%. In summary, the available evidence is currently insufficient to determine the role of this variant in disease. Therefore, it has been classified as a Variant of Uncertain Significance.